The following is an entry in ClinVar:

NM_000112.4(SLC26A2):c.958_966delinsTAACACA (p.Glu320_Asn322delinsTer)

Gene: SLC26A2 (solute carrier family 26 member 2; plus strand). Cytogenetic location: 5q32.
Variant type: Indel.
Coding change: c.958_966delinsTAACACA on transcript NM_000112.4 (MANE Select); coding-DNA positions 958 to 966, GAACTCAAT replaced by TAACACA.
Protein change: p.Glu320_Asn322delinsTer.
Molecular consequence: nonsense.
Genome position (GRCh38, 1-based): chr5:149,980,551-149,980,559, GAACTCAAT replaced by TAACACA. VCF-style: chr5-149980551-GAACTCAAT-TAACACA. GRCh37 (hg19) VCF-style: chr5-149360114-GAACTCAAT-TAACACA.
Identifiers: ClinVar variation 5006854 (VCV005006854.2).

ClinVar aggregate classification (germline): Likely pathogenic (1 of 4 stars; one submission).

Conditions:
Diastrophic dysplasia (DTD). Also called: Diastrophic dwarfism. Identifiers: Orphanet 628, MedGen C0220726, MONDO:0009107, OMIM 222600.
Multiple epiphyseal dysplasia type 4 (EDM4). Also called: Multiple Epiphyseal Dysplasia, Recessive; SLC26A2-Related Multiple Epiphyseal Dysplasia; MULTIPLE EPIPHYSEAL DYSPLASIA WITH BILAYERED PATELLAE; MULTIPLE EPIPHYSEAL DYSPLASIA WITH CLUBFOOT; MULTIPLE EPIPHYSEAL DYSPLASIA, AUTOSOMAL RECESSIVE. Identifiers: Orphanet 93307, MedGen C1847593, MONDO:0009189, OMIM 226900.
Atelosteogenesis type II (AO2). Also called: SLC26A2-Related Atelosteogenesis; NEONATAL OSSEOUS DYSPLASIA I; Neonatal osseous dysplasia 1. Identifiers: Orphanet 56304, MedGen C1850554, MONDO:0009727, OMIM 256050.
Achondrogenesis, type IB (ACG1B). Also called: Achondrogenesis Type 1B. Identifiers: Orphanet 932, Orphanet 93298, MedGen C0265274, MONDO:0010966, OMIM 600972.

Submission:

Juno Genomics, Hangzhou Juno Genomics, Inc
Classification: Likely pathogenic for Achondrogenesis, type IB; Atelosteogenesis type II; Diastrophic dysplasia; Multiple epiphyseal dysplasia type 4. Review status: criteria provided, single submitter. Criteria: ACMG Guidelines, 2015. Collection method: clinical testing. Allele origin: germline.
Comment: Null variant in a gene where loss of function (LOF) is a known mechanism of disease.;Absent from controls (or at extremely low frequency if recessive) in Genome Aggregation Database.